The following is an entry in ClinVar:

NM_001042492.3(NF1):c.4080A>C (p.Gln1360His)

Gene: NF1 (neurofibromin 1; plus strand). Cytogenetic location: 17q11.2.
Variant type: single nucleotide variant.
Coding change: c.4080A>C on transcript NM_001042492.3 (MANE Select); coding-DNA position 4080, A replaced by C.
Protein change: p.Gln1360His; replaces glutamine 1360 with histidine.
Molecular consequence: missense variant.
Genome position (GRCh38, 1-based): chr17:31,249,089, A>C. VCF-style: chr17-31249089-A-C. GRCh37 (hg19) VCF-style: chr17-29576107-A-C.
Other names: c.4080A>C, p.Gln1360His (NM_000267.4); short protein forms Q1360H.
Identifiers: ClinVar variation 4750302 (VCV004750302.1).

ClinVar aggregate classification (germline): Uncertain significance (1 of 4 stars; one submission).

Conditions:
Neurofibromatosis, type 1 (NF1). Also called: NEUROFIBROMATOSIS, TYPE I, SOMATIC; Neurofibromatosis, type I; VON RECKLINGHAUSEN DISEASE; Peripheral type neurofibromatosis. Identifiers: Orphanet 636, MedGen C0027831, MONDO:0018975, OMIM 162200. Disease mechanism: loss of function.

gnomAD v4.1: 1 of 1,614,006 alleles (0.000062%); highest among the groups gnomAD compares: Non-Finnish European, 0.000085%; no homozygotes.

Submission:

Labcorp Genetics (formerly Invitae), Labcorp
Classification: Uncertain significance for Neurofibromatosis, type 1. Last evaluated: 2025-09-01. Review status: criteria provided, single submitter. Criteria: Invitae Variant Classification Sherloc (09022015). Collection method: clinical testing. Allele origin: germline.
Comment: This sequence change replaces glutamine, which is neutral and polar, with histidine, which is basic and polar, at codon 1360 of the NF1 protein (p.Gln1360His). This variant is present in population databases (no rsID available, gnomAD 0.0009%). This variant has not been reported in the literature in individuals affected with NF1-related conditions. Invitae Evidence Modeling of protein sequence and biophysical properties (such as structural, functional, and spatial information, amino acid conservation, physicochemical variation, residue mobility, and thermodynamic stability) indicates that this missense variant is expected to disrupt NF1 protein function with a positive predictive value of 95%. In summary, the available evidence is currently insufficient to determine the role of this variant in disease. Therefore, it has been classified as a Variant of Uncertain Significance.